The following is an entry in ClinVar:

NM_001042492.3(NF1):c.4469A>G (p.Asp1490Gly)

Gene: NF1 (neurofibromin 1; plus strand). Cytogenetic location: 17q11.2.
Variant type: single nucleotide variant.
Coding change: c.4469A>G on transcript NM_001042492.3 (MANE Select); coding-DNA position 4469, A replaced by G.
Protein change: p.Asp1490Gly; replaces aspartic acid 1490 with glycine.
Molecular consequence: missense variant.
Genome position (GRCh38, 1-based): chr17:31,260,407, A>G. VCF-style: chr17-31260407-A-G. GRCh37 (hg19) VCF-style: chr17-29587425-A-G.
Other names: c.4406A>G, p.Asp1469Gly (NM_000267.4); short protein forms D1490G, D1469G.
Identifiers: ClinVar variation 1521139 (VCV001521139.10), dbSNP rs2067663471, ClinGen allele CA398999329.

ClinVar aggregate classification (germline): Uncertain significance. Review status: criteria provided, multiple submitters, no conflicts (2 of 4 stars). 3 submissions from 3 submitters: Uncertain significance (3). Last evaluated 2024-06-27.

Conditions:
Cardiovascular phenotype. Identifiers: MedGen CN230736.
Hereditary cancer-predisposing syndrome. Also called: Tumor predisposition; Hereditary neoplastic syndrome; Neoplastic Syndromes, Hereditary; Hereditary Cancer Syndrome. Identifiers: Orphanet 140162, MedGen C0027672, MeSH D009386, MONDO:0015356.
Juvenile myelomonocytic leukemia (JMML). Also called: LEUKEMIA, JUVENILE MYELOMONOCYTIC, SOMATIC. Identifiers: Orphanet 86834, MedGen C0349639, MONDO:0011908, OMIM 607785, HP:0012209.
Neurofibromatosis, type 1 (NF1). Also called: VON RECKLINGHAUSEN DISEASE; Neurofibromatosis, type I; Peripheral type neurofibromatosis; NEUROFIBROMATOSIS, TYPE I, SOMATIC. Identifiers: Orphanet 636, MedGen C0027831, MONDO:0018975, OMIM 162200. Disease mechanism: loss of function.

gnomAD v4.1: 1 of 1,614,024 alleles (0.000062%); highest among the groups gnomAD compares: Non-Finnish European, 0.000085%; no homozygotes.

Submissions (3):

Ambry Genetics
Classification: Uncertain significance for Cardiovascular phenotype; Hereditary cancer-predisposing syndrome. Last evaluated: 2024-06-27. Review status: criteria provided, single submitter. Criteria: Ambry Variant Classification Scheme 2023. Collection method: clinical testing. Allele origin: germline.
Comment: The p.D1469G variant (also known as c.4406A>G), located in coding exon 33 of the NF1 gene, results from an A to G substitution at nucleotide position 4406. The aspartic acid at codon 1469 is replaced by glycine, an amino acid with similar properties. This amino acid position is conserved. In addition, this alteration is predicted to be deleterious by in silico analysis. Based on the available evidence, the clinical significance of this variant remains unclear.

Baylor Genetics
Classification: Uncertain significance for Juvenile myelomonocytic leukemia. Last evaluated: 2024-03-11. Review status: criteria provided, single submitter. Criteria: ACMG Guidelines, 2015. Collection method: clinical testing. Allele origin: unknown.

Labcorp Genetics (formerly Invitae), Labcorp
Classification: Uncertain significance for Neurofibromatosis, type 1. Last evaluated: 2022-11-01. Review status: criteria provided, single submitter. Criteria: Invitae Variant Classification Sherloc (09022015). Collection method: clinical testing. Allele origin: germline.
Comment: This sequence change replaces aspartic acid, which is acidic and polar, with glycine, which is neutral and non-polar, at codon 1469 of the NF1 protein (p.Asp1469Gly). This variant is not present in population databases (gnomAD no frequency). This variant has not been reported in the literature in individuals affected with NF1-related conditions. ClinVar contains an entry for this variant (Variation ID: 1521139). Advanced modeling of protein sequence and biophysical properties (such as structural, functional, and spatial information, amino acid conservation, physicochemical variation, residue mobility, and thermodynamic stability) has been performed at Invitae for this missense variant, however the output from this modeling did not meet the statistical confidence thresholds required to predict the impact of this variant on NF1 protein function. In summary, the available evidence is currently insufficient to determine the role of this variant in disease. Therefore, it has been classified as a Variant of Uncertain Significance.